The following is an entry in ClinVar:

NM_022455.5(NSD1):c.5741G>T (p.Arg1914Leu)

Gene: NSD1 (nuclear receptor binding SET domain protein 1; plus strand). Cytogenetic location: 5q35.3.
Variant type: single nucleotide variant.
Coding change: c.5741G>T on transcript NM_022455.5 (MANE Select); coding-DNA position 5741, G replaced by T.
Protein change: p.Arg1914Leu; replaces arginine 1914 with leucine.
Molecular consequence: missense variant.
Genome position (GRCh38, 1-based): chr5:177,280,683, G>T. VCF-style: chr5-177280683-G-T. GRCh37 (hg19) VCF-style: chr5-176707684-G-T.
Other names: c.4868G>T, p.Arg1623Leu (NM_001365684.2, NM_001409308.1, NM_001409309.1 and 1 more transcripts); c.5741G>T, p.Arg1914Leu (NM_001409301.1, NM_001409302.1, NM_001409303.1); c.5321G>T, p.Arg1774Leu (NM_001409304.1); c.4988G>T, p.Arg1663Leu (NM_001409305.1); c.4979G>T, p.Arg1660Leu (NM_001409306.1, NM_001409307.1); short protein forms R1645L, R1914L, R1660L, R1663L, R1623L, R1774L.
Identifiers: ClinVar variation 1210027 (VCV001210027.7), dbSNP rs587784155, ClinGen allele CA362312982.

ClinVar aggregate classification (germline): Pathogenic/Likely pathogenic. Review status: criteria provided, multiple submitters, no conflicts (2 of 4 stars). 5 submissions from 5 submitters: Pathogenic (2); Likely pathogenic (1). 2 of the submissions do not count toward it. Last evaluated 2025-06-16.

Conditions:
NSD1-related disorder. Also called: NSD1-related condition.
Sotos syndrome (SOTOS). Also called: Distinctive facial appearance, overgrowth in childhood, and learning disabilities or delayed development; CHROMOSOME 5q35 DELETION SYNDROME; Sotos' syndrome; SOTOS SYNDROME 1; CEREBRAL GIGANTISM. Identifiers: Orphanet 821, MedGen C0175695, MONDO:0019349, OMIM 117550.

Submissions (5):

Institute of Immunology and Genetics Kaiserslautern
Classification: Pathogenic for Sotos syndrome. Last evaluated: 2025-06-16. Review status: criteria provided, single submitter. Criteria: ACMG Guidelines, 2015. Collection method: clinical testing. Allele origin: de novo. Affected: yes.
Comment: ACMG Criteria: PS2, PM1, PM2_P, PM5, PP3, PP5; Variant was found in heterozygous state. De novo-status was confirmed via in-house segregation analysis.

GeneDx
Classification: Pathogenic. Last evaluated: 2024-11-29. Review status: criteria provided, single submitter. Criteria: GeneDx Variant Classification Process June 2021. Collection method: clinical testing. Allele origin: germline.
Comment: Not observed at significant frequency in large population cohorts (gnomAD); In silico analysis supports that this missense variant has a deleterious effect on protein structure/function; This variant is associated with the following publications: (PMID: 32005694, 15452385, 15942875, 17565729, 28475857)

Blueprint Genetics
Classification: Likely pathogenic for NSD1-related disorders. Last evaluated: 2018-07-02. Review status: criteria provided, single submitter. Criteria: ACMG Guidelines, 2015. Collection method: clinical testing. Allele origin: germline. Affected: yes. Observed: 1 variant allele.

Genome Diagnostics Laboratory, Amsterdam University Medical Center
Classification: Likely pathogenic. Review status: no assertion criteria provided. Collection method: clinical testing. Allele origin: germline. Affected: yes. Study: VKGL Data-share Consensus. Not counted in ClinVar's aggregate classification.

Joint Genome Diagnostic Labs from Nijmegen and Maastricht, Radboudumc and MUMC+
Classification: Likely pathogenic. Review status: no assertion criteria provided. Collection method: clinical testing. Allele origin: germline. Affected: yes. Study: VKGL Data-share Consensus. Not counted in ClinVar's aggregate classification.